The following is an entry in ClinVar:

ClinVar aggregate classification (germline): Uncertain significance (1 of 4 stars; one submission).

Conditions:
DMD-related disorder. Also called: DMD-related condition.

Allele frequency attached by ClinVar (database versions not stated): gnomAD exomes below 0.00001.
gnomAD v4.1: 1 of 1,211,513 alleles (0.000083%); highest among the groups gnomAD compares: Non-Finnish European, 0.00011%; no homozygotes.

Submission:

PreventionGenetics, part of Exact Sciences
Classification: Uncertain significance for DMD-related condition. Last evaluated: 2023-06-08. Review status: criteria provided, single submitter. Criteria: ACMG Guidelines, 2015. Collection method: clinical testing. Allele origin: germline.
Comment: The DMD c.2788A>G variant is predicted to result in the amino acid substitution p.Lys930Glu. To our knowledge, this variant has not been reported in the literature or in a large population database, indicating this variant is rare. At this time, the clinical significance of this variant is uncertain due to the absence of conclusive functional and genetic evidence.

NM_004006.3(DMD):c.2788A>G (p.Lys930Glu)

Gene: DMD (dystrophin; minus strand). Cytogenetic location: Xp21.1.
Variant type: single nucleotide variant.
Coding change: c.2788A>G on transcript NM_004006.3 (MANE Select); coding-DNA position 2788, A replaced by G.
Protein change: p.Lys930Glu; replaces lysine 930 with glutamic acid.
Molecular consequence: missense variant.
Genome position (GRCh38, 1-based): chrX:32,484,934, T>C on the plus strand (A>G on the coding strand, the complement: DMD is on the minus strand). VCF-style: chrX-32484934-T-C. GRCh37 (hg19) VCF-style: chrX-32503051-T-C.
Other names: c.2764A>G, p.Lys922Glu (NM_000109.4); c.2776A>G, p.Lys926Glu (NM_004009.3); c.2419A>G, p.Lys807Glu (NM_004010.3); short protein forms K807E, K922E, K926E, K930E.
Identifiers: ClinVar variation 2631852 (VCV002631852.1), dbSNP rs2042265915, ClinGen allele CA412670666.